The following is an entry in ClinVar:

NM_001170629.2(CHD8):c.4112C>T (p.Pro1371Leu)

Gene: CHD8 (chromodomain helicase DNA binding protein 8; minus strand). Cytogenetic location: 14q11.2.
Variant type: single nucleotide variant.
Coding change: c.4112C>T on transcript NM_001170629.2 (MANE Select); coding-DNA position 4112, C replaced by T.
Protein change: p.Pro1371Leu; replaces proline 1371 with leucine.
Molecular consequence: missense variant.
Genome position (GRCh38, 1-based): chr14:21,401,464, G>A on the plus strand (C>T on the coding strand, the complement: CHD8 is on the minus strand). VCF-style: chr14-21401464-G-A. GRCh37 (hg19) VCF-style: chr14-21869623-G-A.
Other names: c.3275C>T, p.Pro1092Leu (NM_020920.4); short protein forms P1092L, P1371L.
Identifiers: ClinVar variation 1712216 (VCV001712216.2), dbSNP rs1334291104, ClinGen allele CA388896383.

ClinVar aggregate classification (germline): Uncertain significance (1 of 4 stars; one submission).

Allele frequency attached by ClinVar (database versions not stated): gnomAD exomes below 0.00001.
gnomAD v4.1: 1 of 1,601,182 alleles (0.000062%); highest among the groups gnomAD compares: Non-Finnish European, 0.000085%; no homozygotes.

Submission:

GeneDx
Classification: Uncertain significance. Last evaluated: 2022-04-19. Review status: criteria provided, single submitter. Criteria: GeneDx Variant Classification Process June 2021. Collection method: clinical testing. Allele origin: germline. Affected: yes.
Comment: Not observed at significant frequency in large population cohorts (gnomAD); In silico analysis supports that this missense variant has a deleterious effect on protein structure/function; Has not been previously published as pathogenic or benign to our knowledge